The following is an entry in ClinVar:

ClinVar aggregate classification (germline): Conflicting classifications of pathogenicity. Review status: criteria provided, conflicting classifications (1 of 4 stars). 3 submissions from 3 submitters: Uncertain significance (2); Likely benign (1). Last evaluated 2026-01-11.

Allele frequency attached by ClinVar (database versions not stated): ESP Exome Variant Server 0.00008.
gnomAD v4.1: 67 of 1,613,238 alleles (0.0042%); highest among the groups gnomAD compares: East Asian, 0.049%; no homozygotes.

Submissions (3):

Labcorp Genetics (formerly Invitae), Labcorp
Classification: Likely benign. Last evaluated: 2026-01-11. Review status: criteria provided, single submitter. Criteria: Invitae Variant Classification Sherloc (09022015). Collection method: clinical testing. Allele origin: germline.

GeneDx
Classification: Uncertain significance. Last evaluated: 2025-06-11. Review status: criteria provided, single submitter. Criteria: GeneDx Variant Classification Process June 2021. Collection method: clinical testing. Allele origin: germline. Affected: yes.
Comment: In silico analysis supports that this missense variant has a deleterious effect on protein structure/function; Has not been previously published as pathogenic or benign to our knowledge

Women's Health and Genetics/Laboratory Corporation of America, LabCorp
Classification: Uncertain significance. Last evaluated: 2022-05-03. Review status: criteria provided, single submitter. Criteria: LabCorp Variant Classification Summary - May 2015. Collection method: clinical testing. Allele origin: germline.

NM_194248.3(OTOF):c.1553G>T (p.Arg518Leu)

Gene: OTOF (otoferlin; minus strand). Cytogenetic location: 2p23.3.
Variant type: single nucleotide variant.
Coding change: c.1553G>T on transcript NM_194248.3 (MANE Select); coding-DNA position 1553, G replaced by T.
Protein change: p.Arg518Leu; replaces arginine 518 with leucine.
Molecular consequence: missense variant.
Genome position (GRCh38, 1-based): chr2:26,482,432, C>A on the plus strand (G>T on the coding strand, the complement: OTOF is on the minus strand). VCF-style: chr2-26482432-C-A. GRCh37 (hg19) VCF-style: chr2-26705300-C-A.
Other names: c.1553G>T, p.Arg518Leu (NM_001287489.2); short protein forms R518L.
Identifiers: ClinVar variation 1696045 (VCV001696045.5), dbSNP rs150090360, ClinGen allele CA1564244.
Genomic context (GRCh38, chr2:26,482,432, plus strand): 5'-TGCCCCCCAGCACACCGGGTCTCCCGCTGCTGACCTTTGTCTCCGTCATTAGAAATCTTG[C>A]GCAGGTCAATGAAGTGGGTGCCGATGGCCACGTCGTTGACCTTGTCCGAGTCTCGGATCT-3'
Protein context (NP_919224.1, residues 508-528): VAIGTHFIDL[Arg518Leu]KISNDGDKGF